The following is an entry in ClinVar:

NM_022893.4(BCL11A):c.1547G>A (p.Gly516Glu)

Gene: BCL11A (BCL11 transcription factor A; minus strand). Cytogenetic location: 2p16.1.
Variant type: single nucleotide variant.
Coding change: c.1547G>A on transcript NM_022893.4 (MANE Select); coding-DNA position 1547, G replaced by A.
Protein change: p.Gly516Glu; replaces glycine 516 with glutamic acid.
Molecular consequence: missense variant. On other transcripts: intron variant (1).
Genome position (GRCh38, 1-based): chr2:60,461,365, C>T on the plus strand (G>A on the coding strand, the complement: BCL11A is on the minus strand). VCF-style: chr2-60461365-C-T. GRCh37 (hg19) VCF-style: chr2-60688500-C-T.
Other names: c.1445G>A, p.Gly482Glu (NM_001363864.1, NM_001365609.1); c.1547G>A, p.Gly516Glu (NM_018014.4); c.630+917G>A (NM_138559.2); short protein forms G482E, G516E.
Identifiers: ClinVar variation 1309212 (VCV001309212.2), dbSNP rs1676269843, ClinGen allele CA347037756.

ClinVar aggregate classification (germline): Uncertain significance (1 of 4 stars; one submission).

gnomAD v4.1: 1 of 1,605,898 alleles (0.000062%); highest among the groups gnomAD compares: Middle Eastern, 0.017%; no homozygotes.

Submission:

GeneDx
Classification: Uncertain significance. Last evaluated: 2019-10-29. Review status: criteria provided, single submitter. Criteria: GeneDx Variant Classification Process June 2021. Collection method: clinical testing. Allele origin: germline. Affected: yes.
Comment: Not observed in large population cohorts (Lek et al., 2016); In silico analysis, which includes protein predictors and evolutionary conservation, supports that this variant does not alter protein structure/function; Has not been previously published as pathogenic or benign to our knowledge